The following is an entry in ClinVar:

NM_000069.3(CACNA1S):c.886G>A (p.Asp296Asn)

Gene: CACNA1S (calcium voltage-gated channel subunit alpha1 S; minus strand). Cytogenetic location: 1q32.1.
Variant type: single nucleotide variant.
Coding change: c.886G>A on transcript NM_000069.3 (MANE Select); coding-DNA position 886, G replaced by A.
Protein change: p.Asp296Asn; replaces aspartic acid 296 with asparagine.
Molecular consequence: missense variant.
Genome position (GRCh38, 1-based): chr1:201,089,272, C>T on the plus strand (G>A on the coding strand, the complement: CACNA1S is on the minus strand). VCF-style: chr1-201089272-C-T. GRCh37 (hg19) VCF-style: chr1-201058400-C-T.
Other names: short protein forms D296N.
Identifiers: ClinVar variation 3072948 (VCV003072948.1), dbSNP rs1210203396, ClinGen allele CA344134360.

ClinVar aggregate classification (germline): Uncertain significance (1 of 4 stars; one submission).

Conditions:
Malignant hyperthermia, susceptibility to, 5 (MHS5). Also called: CACNA1S-Related Malignant Hyperthermia Susceptibility. Identifiers: Orphanet 423, MedGen C1866077, MONDO:0011163, OMIM 601887.

Allele frequency attached by ClinVar (database versions not stated): gnomAD exomes below 0.00001.
gnomAD v4.1: 1 of 1,614,250 alleles (0.000062%); highest among the groups gnomAD compares: Admixed American, 0.0017%; no homozygotes.

Submission:

All of Us Research Program, National Institutes of Health
Classification: Uncertain significance for Malignant hyperthermia, susceptibility to, 5. Last evaluated: 2023-08-15. Review status: criteria provided, single submitter. Criteria: ACMG Guidelines, 2015. Collection method: clinical testing. Allele origin: germline. Inheritance: Autosomal dominant inheritance. Observed: 1 variant allele, 1 heterozygote.
Comment: This missense variant replaces aspartic acid with asparagine at codon 296 of the CACNA1S protein. Computational prediction suggests that this variant may not impact protein structure and function (internally defined REVEL score threshold <= 0.5, PMID: 27666373). To our knowledge, functional studies have not been reported for this variant. This variant has not been reported in individuals affected with CACNA1S-related disorders in the literature. This variant has been identified in 1/251314 chromosomes in the general population by the Genome Aggregation Database (gnomAD). The available evidence is insufficient to determine the role of this variant in disease conclusively. Therefore, this variant is classified as a Variant of Uncertain Significance.

This study involves interpretation of variants in research participants for the purpose of population health screening. Participant phenotype was not available at the time of variant classification. Additional details can be found in publication PMID: 35346344, PMCID: PMC8962531